The following is an entry in ClinVar:

ClinVar aggregate classification (germline): Likely benign. Review status: criteria provided, single submitter (1 of 4 stars). 2 submissions from 2 submitters: Likely benign (1). 1 of the submissions does not count toward it. Last evaluated 2026-02-04.

Conditions:
FOCAD-related disorder. Also called: FOCAD-related condition.

Allele frequency attached by ClinVar (database versions not stated): gnomAD exomes below 0.00001.

Submissions (2):

Labcorp Genetics (formerly Invitae), Labcorp
Classification: Likely benign. Last evaluated: 2026-02-04. Review status: criteria provided, single submitter. Criteria: Invitae Variant Classification Sherloc (09022015). Collection method: clinical testing. Allele origin: germline.

PreventionGenetics, part of Exact Sciences
Classification: Likely benign for FOCAD-related condition. Last evaluated: 2023-12-04. Review status: no assertion criteria provided. Collection method: clinical testing. Allele origin: germline. Not counted in ClinVar's aggregate classification.
Comment: This variant is classified as likely benign based on ACMG/AMP sequence variant interpretation guidelines (Richards et al. 2015 PMID: 25741868, with internal and published modifications).

NM_001375567.1(FOCAD):c.2107-6A>C

Gene: FOCAD (focadhesin; plus strand). Cytogenetic location: 9p21.3.
Variant type: single nucleotide variant.
Coding change: c.2107-6A>C on transcript NM_001375567.1 (MANE Select); 6 bases into the intron before coding-DNA position 2107, A replaced by C.
Molecular consequence: intron variant.
Genome position (GRCh38, 1-based): chr9:20,866,923, A>C. VCF-style: chr9-20866923-A-C. GRCh37 (hg19) VCF-style: chr9-20866922-A-C.
Other names: c.2107-6A>C (NM_017794.5); c.2002-6A>C (NM_001375568.1, NM_001375570.1).
Identifiers: ClinVar variation 3043242 (VCV003043242.3), dbSNP rs754352127, ClinGen allele CA1122082141.
Genomic context (GRCh38, chr9:20,866,923, plus strand): 5'-CATGTTGTGTTTTTTTGTTTGCTTGCTTTTTTTTTTTTTTTTTTTTTTTTTTTTTACCCT[A>C]TCTAGGACCCAATTGTAGCAAATGCTGCATATAGATCCCTGGCCAACTTTAGTGCAGGAG-3'